The following is an entry in ClinVar:

NM_198578.4(LRRK2):c.1372G>C (p.Val458Leu)

Gene: LRRK2 (leucine rich repeat kinase 2; plus strand). Cytogenetic location: 12q12.
Variant type: single nucleotide variant.
Coding change: c.1372G>C on transcript NM_198578.4 (MANE Select); coding-DNA position 1372, G replaced by C.
Protein change: p.Val458Leu; replaces valine 458 with leucine.
Molecular consequence: missense variant.
Genome position (GRCh38, 1-based): chr12:40,257,331, G>C. VCF-style: chr12-40257331-G-C. GRCh37 (hg19) VCF-style: chr12-40651133-G-C.
Other names: short protein forms V458L.
Identifiers: ClinVar variation 1771081 (VCV001771081.2), dbSNP rs1942564820, ClinGen allele CA384410715.

ClinVar aggregate classification (germline): Uncertain significance (1 of 4 stars; one submission).

Conditions:
Inborn genetic diseases. Identifiers: MedGen C0950123, MeSH D030342.

Allele frequency attached by ClinVar (database versions not stated): TOPMed below 0.00001.

Submission:

Ambry Genetics
Classification: Uncertain significance for Inborn genetic diseases. Last evaluated: 2022-01-30. Review status: criteria provided, single submitter. Criteria: Ambry Variant Classification Scheme 2023. Collection method: clinical testing. Allele origin: germline.
Comment: The p.V458L variant (also known as c.1372G>C), located in coding exon 12 of the LRRK2 gene, results from a G to C substitution at nucleotide position 1372. The valine at codon 458 is replaced by leucine, an amino acid with highly similar properties. This amino acid position is conserved. In addition, the in silico prediction for this alteration is inconclusive. Since supporting evidence is limited at this time, the clinical significance of this alteration remains unclear.